The following is an entry in ClinVar:

ClinVar aggregate classification (germline): Likely pathogenic (1 of 4 stars; one submission).

Conditions:
Fumarase deficiency (FMRD). Also called: Fumaric aciduria; Fumarate Hydratase Deficiency. Identifiers: Orphanet 24, MedGen C0342770, MONDO:0011730, OMIM 606812.

Submission:

3billion
Classification: Likely pathogenic for Fumarase deficiency. Last evaluated: 2021-10-02. Review status: criteria provided, single submitter. Criteria: ACMG Guidelines, 2015. Collection method: clinical testing. Allele origin: maternal. Affected: yes. Observed: 1 heterozygote.
Comment: It is not observed in the gnomAD v2.1.1 dataset (PM2). The variant was observed in trans with a pathogenic variant (NM_000143.3: c.1108+1G>A) as compound heterozygous (3billion dataset, PM3). In silico tool predictions suggest damaging effect of the variant on gene or gene product (REVEL: 0.856, 3Cnet: 0.767, PP3). Patient's phenotype is considered compatible with Fumarase deficiency (3billion dataset, PP4). Therefore, this variant is classified as likely pathogenic according to the recommendation of ACMG/AMP guideline.

NM_000143.4(FH):c.664T>C (p.Ser222Pro)

Gene: FH (fumarate hydratase; minus strand). Cytogenetic location: 1q43.
Variant type: single nucleotide variant.
Coding change: c.664T>C on transcript NM_000143.4 (MANE Select); coding-DNA position 664, T replaced by C.
Protein change: p.Ser222Pro; replaces serine 222 with proline.
Molecular consequence: missense variant.
Genome position (GRCh38, 1-based): chr1:241,508,677, A>G on the plus strand (T>C on the coding strand, the complement: FH is on the minus strand). VCF-style: chr1-241508677-A-G. GRCh37 (hg19) VCF-style: chr1-241671977-A-G.
Other names: short protein forms S222P.
Identifiers: ClinVar variation 1320066 (VCV001320066.1), dbSNP rs1448268784, ClinGen allele CA345439287.